The following is an entry in ClinVar:

ClinVar aggregate classification (germline): Uncertain significance (1 of 4 stars; one submission).

Conditions:
Inborn genetic diseases. Identifiers: MedGen C0950123, MeSH D030342.

Submission:

Ambry Genetics
Classification: Uncertain significance for Inborn genetic diseases. Last evaluated: 2025-04-01. Review status: criteria provided, single submitter. Criteria: Ambry Variant Classification Scheme 2023. Collection method: clinical testing. Allele origin: germline.
Comment: The p.E413D variant (also known as c.1239G>C), located in coding exon 11 of the ANKRD26 gene, results from a G to C substitution at nucleotide position 1239. The glutamic acid at codon 413 is replaced by aspartic acid, an amino acid with highly similar properties. This amino acid position is conserved. In addition, this alteration is predicted to be tolerated by in silico analysis. Based on the available evidence, the clinical significance of this variant remains unclear.

NM_014915.3(ANKRD26):c.1239G>C (p.Glu413Asp)

Gene: ANKRD26 (ankyrin repeat domain containing 26; minus strand). Cytogenetic location: 10p12.1.
Variant type: single nucleotide variant.
Coding change: c.1239G>C on transcript NM_014915.3 (MANE Select); coding-DNA position 1239, G replaced by C.
Protein change: p.Glu413Asp; replaces glutamic acid 413 with aspartic acid.
Molecular consequence: missense variant.
Genome position (GRCh38, 1-based): chr10:27,066,517, C>G on the plus strand (G>C on the coding strand, the complement: ANKRD26 is on the minus strand). VCF-style: chr10-27066517-C-G. GRCh37 (hg19) VCF-style: chr10-27355446-C-G.
Other names: c.1239G>C, p.Glu413Asp (NM_001256053.2); short protein forms E413D.
Identifiers: ClinVar variation 3913537 (VCV003913537.1).